The following is an entry in ClinVar:

NM_058216.3(RAD51C):c.107A>C (p.Glu36Ala)

Gene: RAD51C (RAD51 paralog C; plus strand). Cytogenetic location: 17q22.
Variant type: single nucleotide variant.
Coding change: c.107A>C on transcript NM_058216.3 (MANE Select); coding-DNA position 107, A replaced by C.
Protein change: p.Glu36Ala; replaces glutamic acid 36 with alanine.
Molecular consequence: missense variant. On other transcripts: non-coding transcript variant (1).
Genome position (GRCh38, 1-based): chr17:58,692,750, A>C. VCF-style: chr17-58692750-A-C. GRCh37 (hg19) VCF-style: chr17-56770111-A-C.
Other names: c.107A>C, p.Glu36Ala (NM_002876.4); short protein forms E36A.
Identifiers: ClinVar variation 3429718 (VCV003429718.3).

ClinVar aggregate classification (germline): Conflicting classifications of pathogenicity. Review status: criteria provided, conflicting classifications (1 of 4 stars). 2 submissions from 2 submitters: Uncertain significance (1); Likely benign (1). Last evaluated 2024-10-21.

Conditions:
Hereditary cancer-predisposing syndrome. Also called: Hereditary Cancer Syndrome; Hereditary neoplastic syndrome; Neoplastic Syndromes, Hereditary; Tumor predisposition. Identifiers: Orphanet 140162, MedGen C0027672, MeSH D009386, MONDO:0015356.
Fanconi anemia complementation group O. Also called: RAD51C-Related Fanconi Anemia. Identifiers: Orphanet 84, MedGen C3150653, MONDO:0013248, OMIM 613390.

Submissions (2):

Labcorp Genetics (formerly Invitae), Labcorp
Classification: Uncertain significance for Fanconi anemia complementation group O. Last evaluated: 2024-10-21. Review status: criteria provided, single submitter. Criteria: Invitae Variant Classification Sherloc (09022015). Collection method: clinical testing. Allele origin: germline.
Comment: This sequence change replaces glutamic acid, which is acidic and polar, with alanine, which is neutral and non-polar, at codon 36 of the RAD51C protein (p.Glu36Ala). This variant is not present in population databases (gnomAD no frequency). This variant has not been reported in the literature in individuals affected with RAD51C-related conditions. Invitae Evidence Modeling of protein sequence and biophysical properties (such as structural, functional, and spatial information, amino acid conservation, physicochemical variation, residue mobility, and thermodynamic stability) indicates that this missense variant is not expected to disrupt RAD51C protein function with a negative predictive value of 80%. In summary, the available evidence is currently insufficient to determine the role of this variant in disease. Therefore, it has been classified as a Variant of Uncertain Significance.

Ambry Genetics
Classification: Likely benign for Hereditary cancer-predisposing syndrome. Last evaluated: 2024-10-11. Review status: criteria provided, single submitter. Criteria: Ambry Variant Classification Scheme 2023. Collection method: clinical testing. Allele origin: germline.